The following is an entry in ClinVar:

NM_001365536.1(SCN9A):c.1876G>A (p.Gly626Ser)

Genes: SCN1A-AS1 (SCN1A and SCN9A antisense RNA 1; plus strand), SCN9A (sodium voltage-gated channel alpha subunit 9; minus strand). Cytogenetic location: 2q24.3.
Variant type: single nucleotide variant.
Coding change: c.1876G>A on transcript NM_001365536.1 (MANE Select); coding-DNA position 1876, G replaced by A.
Protein change: p.Gly626Ser; replaces glycine 626 with serine.
Molecular consequence: missense variant.
Genome position (GRCh38, 1-based): chr2:166,284,551, C>T on the plus strand (G>A on the coding strand, the complement: SCN9A is on the minus strand). VCF-style: chr2-166284551-C-T. GRCh37 (hg19) VCF-style: chr2-167141061-C-T.
Other names: c.1876G>A, p.Gly626Ser (NM_002977.4); short protein forms G626S.
Identifiers: ClinVar variation 2177900 (VCV002177900.4), dbSNP rs764566980, ClinGen allele CA1944411.

ClinVar aggregate classification (germline): Uncertain significance (1 of 4 stars; one submission).

Conditions:
Neuropathy, hereditary sensory and autonomic, type 2A (HSAN2A). Also called: WNK1-Related HSAN2 (HSAN2A); MORVAN DISEASE; NEUROPATHY, CONGENITAL SENSORY; NEUROPATHY, HEREDITARY SENSORY RADICULAR, AUTOSOMAL RECESSIVE; NEUROPATHY, HEREDITARY SENSORY, TYPE IIA; NEUROPATHY, PROGRESSIVE SENSORY, OF CHILDREN. Identifiers: Orphanet 970, MedGen C2752089, MONDO:0024309, OMIM 201300.
Generalized epilepsy with febrile seizures plus, type 7 (GEFSP7). Also called: GEFS+, TYPE 7. Identifiers: Orphanet 36387, MedGen C2751778, MONDO:0013470, OMIM 613863.

Allele frequency attached by ClinVar (database versions not stated): gnomAD exomes below 0.00001; ExAC 0.00001.
gnomAD v4.1: 1 of 1,614,146 alleles (0.000062%); highest among the groups gnomAD compares: Non-Finnish European, 0.000085%; no homozygotes.

Submission:

Labcorp Genetics (formerly Invitae), Labcorp
Classification: Uncertain significance for Neuropathy, hereditary sensory and autonomic, type 2A; Generalized epilepsy with febrile seizures plus, type 7. Last evaluated: 2024-07-15. Review status: criteria provided, single submitter. Criteria: Invitae Variant Classification Sherloc (09022015). Collection method: clinical testing. Allele origin: germline.
Comment: This sequence change replaces glycine, which is neutral and non-polar, with serine, which is neutral and polar, at codon 626 of the SCN9A protein (p.Gly626Ser). This variant is present in population databases (rs764566980, gnomAD 0.0009%). This variant has not been reported in the literature in individuals affected with SCN9A-related conditions. ClinVar contains an entry for this variant (Variation ID: 2177900). Advanced modeling of protein sequence and biophysical properties (such as structural, functional, and spatial information, amino acid conservation, physicochemical variation, residue mobility, and thermodynamic stability) performed at Invitae indicates that this missense variant is not expected to disrupt SCN9A protein function with a negative predictive value of 95%. In summary, the available evidence is currently insufficient to determine the role of this variant in disease. Therefore, it has been classified as a Variant of Uncertain Significance.